The following is an entry in ClinVar:

ClinVar aggregate classification (germline): Uncertain significance (1 of 4 stars; one submission).

Conditions:
Spastic paraplegia. Identifiers: MedGen C0037772, HP:0001258.
Combined oxidative phosphorylation defect type 7. Identifiers: Orphanet 254930, MedGen C3150801, MONDO:0013306, OMIM 613559.

Allele frequency attached by ClinVar (database versions not stated): gnomAD exomes below 0.00001.
gnomAD v4.1: 1 of 1,613,978 alleles (0.000062%); highest among the groups gnomAD compares: Non-Finnish European, 0.000085%; no homozygotes.

Submission:

Labcorp Genetics (formerly Invitae), Labcorp
Classification: Uncertain significance for Combined oxidative phosphorylation defect type 7; Spastic paraplegia. Last evaluated: 2022-08-10. Review status: criteria provided, single submitter. Criteria: Invitae Variant Classification Sherloc (09022015). Collection method: clinical testing. Allele origin: germline.
Comment: In summary, the available evidence is currently insufficient to determine the role of this variant in disease. Therefore, it has been classified as a Variant of Uncertain Significance. Algorithms developed to predict the effect of missense changes on protein structure and function (SIFT, PolyPhen-2, Align-GVGD) all suggest that this variant is likely to be tolerated. This variant has not been reported in the literature in individuals affected with C12orf65-related conditions. This variant is not present in population databases (gnomAD no frequency). This sequence change replaces phenylalanine, which is neutral and non-polar, with leucine, which is neutral and non-polar, at codon 119 of the C12orf65 protein (p.Phe119Leu).

NM_152269.5(MTRFR):c.355T>C (p.Phe119Leu)

Gene: MTRFR (mitochondrial translation release factor in rescue; plus strand). Cytogenetic location: 12q24.31.
Variant type: single nucleotide variant.
Coding change: c.355T>C on transcript NM_152269.5 (MANE Select); coding-DNA position 355, T replaced by C.
Protein change: p.Phe119Leu; replaces phenylalanine 119 with leucine.
Molecular consequence: missense variant.
Genome position (GRCh38, 1-based): chr12:123,256,885, T>C. VCF-style: chr12-123256885-T-C. GRCh37 (hg19) VCF-style: chr12-123741432-T-C.
Other names: c.355T>C, p.Phe119Leu (NM_001143905.2, NM_001194995.1); short protein forms F119L.
Identifiers: ClinVar variation 1976039 (VCV001976039.5), dbSNP rs2547600283, ClinGen allele CA387119061.